The following is an entry in ClinVar:

NM_002485.5(NBN):c.568C>G (p.Pro190Ala)

Gene: NBN (nibrin; minus strand). Cytogenetic location: 8q21.3.
Variant type: single nucleotide variant.
Coding change: c.568C>G on transcript NM_002485.5 (MANE Select); coding-DNA position 568, C replaced by G.
Protein change: p.Pro190Ala; replaces proline 190 with alanine.
Molecular consequence: missense variant.
Genome position (GRCh38, 1-based): chr8:89,978,236, G>C on the plus strand (C>G on the coding strand, the complement: NBN is on the minus strand). VCF-style: chr8-89978236-G-C. GRCh37 (hg19) VCF-style: chr8-90990464-G-C.
Other names: c.322C>G, p.Pro108Ala (NM_001024688.3); short protein forms P108A, P190A.
Identifiers: ClinVar variation 1059048 (VCV001059048.11), dbSNP rs1554566620, ClinGen allele CA371660135.

ClinVar aggregate classification (germline): Uncertain significance. Review status: criteria provided, multiple submitters, no conflicts (2 of 4 stars). 2 submissions from 2 submitters: Uncertain significance (2). Last evaluated 2020-12-29.

Conditions:
Hereditary cancer-predisposing syndrome. Also called: Tumor predisposition; Neoplastic Syndromes, Hereditary; Hereditary Cancer Syndrome; Hereditary neoplastic syndrome. Identifiers: Orphanet 140162, MedGen C0027672, MeSH D009386, MONDO:0015356.
Microcephaly, normal intelligence and immunodeficiency (NBS). Also called: BERLIN BREAKAGE SYNDROME; SEEMANOVA SYNDROME II; Immunodeficiency, microcephaly with normal intelligence; Nijmegen breakage syndrome; Microcephaly with normal intelligence immunodeficiency and lymphoreticular malignancies; Nonsyndromal microcephaly autosomal recessive with normal intelligence. Identifiers: Orphanet 647, MedGen C0398791, MONDO:0009623, OMIM 251260.

Submissions (2):

Ambry Genetics
Classification: Uncertain significance for Hereditary cancer-predisposing syndrome. Last evaluated: 2020-12-29. Review status: criteria provided, single submitter. Criteria: Ambry Variant Classification Scheme 2023. Collection method: clinical testing. Allele origin: germline.
Comment: The p.P190A variant (also known as c.568C>G), located in coding exon 5 of the NBN gene, results from a C to G substitution at nucleotide position 568. The proline at codon 190 is replaced by alanine, an amino acid with highly similar properties. This amino acid position is not well conserved in available vertebrate species. In addition, this alteration is predicted to be tolerated by in silico analysis. Since supporting evidence is limited at this time, the clinical significance of this alteration remains unclear.

Labcorp Genetics (formerly Invitae), Labcorp
Classification: Uncertain significance for Microcephaly, normal intelligence and immunodeficiency. Last evaluated: 2020-10-19. Review status: criteria provided, single submitter. Criteria: Invitae Variant Classification Sherloc (09022015). Collection method: clinical testing. Allele origin: germline.
Comment: In summary, the available evidence is currently insufficient to determine the role of this variant in disease. Therefore, it has been classified as a Variant of Uncertain Significance. Algorithms developed to predict the effect of missense changes on protein structure and function (SIFT, PolyPhen-2, Align-GVGD) all suggest that this variant is likely to be tolerated, but these predictions have not been confirmed by published functional studies and their clinical significance is uncertain. This variant has not been reported in the literature in individuals with NBN-related conditions. This variant is not present in population databases (ExAC no frequency). This sequence change replaces proline with alanine at codon 190 of the NBN protein (p.Pro190Ala). The proline residue is moderately conserved and there is a small physicochemical difference between proline and alanine.